The following is an entry in ClinVar:

NM_002351.5(SH2D1A):c.295C>T (p.Gln99Ter)

Gene: SH2D1A (SH2 domain containing 1A; plus strand). Cytogenetic location: Xq25.
Variant type: single nucleotide variant.
Coding change: c.295C>T on transcript NM_002351.5 (MANE Select); coding-DNA position 295, C replaced by T.
Protein change: p.Gln99Ter; replaces glutamine 99 with a stop codon.
Molecular consequence: nonsense.
Genome position (GRCh38, 1-based): chrX:124,370,269, C>T. VCF-style: chrX-124370269-C-T. GRCh37 (hg19) VCF-style: chrX-123504119-C-T.
Other names: c.295C>T, p.Gln99Ter (NM_001114937.3); short protein forms Q99*.
Identifiers: ClinVar variation 2138716 (VCV002138716.4), dbSNP rs2522819045, ClinGen allele CA414124815.

ClinVar aggregate classification (germline): Pathogenic (1 of 4 stars; one submission).

Conditions:
X-linked lymphoproliferative disease due to SH2D1A deficiency (XLP1). Also called: IMMUNODEFICIENCY 5; IMMUNODEFICIENCY, X-LINKED PROGRESSIVE COMBINED VARIABLE; INFECTIOUS MONONUCLEOSIS, SEVERE, SUSCEPTIBILITY TO; PURTILO SYNDROME; SH2D1A-Related Lymphoproliferative Disease, X-Linked; EBV infection severe susceptibility to. Identifiers: Orphanet 2442, Orphanet 538931, MedGen C5399825, MONDO:0024551, OMIM 308240.

Submission:

Labcorp Genetics (formerly Invitae), Labcorp
Classification: Pathogenic for X-linked lymphoproliferative disease due to SH2D1A deficiency. Last evaluated: 2022-04-02. Review status: criteria provided, single submitter. Criteria: Invitae Variant Classification Sherloc (09022015). Collection method: clinical testing. Allele origin: germline.
Comment: For these reasons, this variant has been classified as Pathogenic. This premature translational stop signal has been observed in individual(s) with SH2D1A-related conditions (PMID: 24616127, 24923536, 32542393). This variant is not present in population databases (gnomAD no frequency). This sequence change creates a premature translational stop signal (p.Gln99*) in the SH2D1A gene. It is expected to result in an absent or disrupted protein product. Loss-of-function variants in SH2D1A are known to be pathogenic (PMID: 9771704, 11049992, 15711562).

Literature cited by the submitters: PubMed 24616127; PubMed 24923536; PubMed 32542393; PubMed 9771704; PubMed 11049992; PubMed 15711562.